The following is an entry in ClinVar:

ClinVar aggregate classification (germline): Uncertain significance (1 of 4 stars; one submission).

Conditions:
Noonan syndrome 8 (NS8). Identifiers: Orphanet 648, MedGen C3809233, MONDO:0014143, OMIM 615355.

Allele frequency attached by ClinVar (database versions not stated): gnomAD exomes 0.00001; TOPMed 0.00001.
gnomAD v4.1: 13 of 1,613,628 alleles (0.00081%); highest among the groups gnomAD compares: South Asian, 0.0011%; no homozygotes.

Submission:

Labcorp Genetics (formerly Invitae), Labcorp
Classification: Uncertain significance for Noonan syndrome 8. Last evaluated: 2026-01-05. Review status: criteria provided, single submitter. Criteria: Invitae Variant Classification Sherloc (09022015). Collection method: clinical testing. Allele origin: germline.
Comment: This sequence change replaces arginine, which is basic and polar, with glutamine, which is neutral and polar, at codon 86 of the RIT1 protein (p.Arg86Gln). This variant is present in population databases (no rsID available, gnomAD 0.0009%). This variant has not been reported in the literature in individuals affected with RIT1-related conditions. ClinVar contains an entry for this variant (Variation ID: 1006457). Invitae Evidence Modeling incorporating data from in vitro experimental studies (internal data) indicates that this missense variant is not expected to disrupt RIT1 function with a negative predictive value of 95%. In summary, the available evidence is currently insufficient to determine the role of this variant in disease. Therefore, it has been classified as a Variant of Uncertain Significance.

NM_006912.6(RIT1):c.257G>A (p.Arg86Gln)

Gene: RIT1 (Ras like without CAAX 1; minus strand). Cytogenetic location: 1q22.
Variant type: single nucleotide variant.
Coding change: c.257G>A on transcript NM_006912.6 (MANE Select); coding-DNA position 257, G replaced by A.
Protein change: p.Arg86Gln; replaces arginine 86 with glutamine.
Molecular consequence: missense variant.
Genome position (GRCh38, 1-based): chr1:155,904,483, C>T on the plus strand (G>A on the coding strand, the complement: RIT1 is on the minus strand). VCF-style: chr1-155904483-C-T. GRCh37 (hg19) VCF-style: chr1-155874274-C-T.
Other names: c.149G>A, p.Arg50Gln (NM_001256820.2); c.308G>A, p.Arg103Gln (NM_001256821.2); short protein forms R103Q, R50Q, R86Q.
Identifiers: ClinVar variation 1006457 (VCV001006457.8), dbSNP rs1185965337, ClinGen allele CA342802876.